The following is an entry in ClinVar:

ClinVar aggregate classification (germline): Benign (0 of 4 stars; one submission).

Conditions:
CTBP2-related disorder. Also called: CTBP2-related condition.

Allele frequency attached by ClinVar (database versions not stated): ESP Exome Variant Server 0.00046; 1000 Genomes Project 30x 0.00609; 1000 Genomes Project 0.00639; gnomAD 0.00145; TOPMed 0.00147; ExAC 0.00291.
gnomAD v4.1: 2,587 of 1,614,066 alleles (0.16%); highest among the groups gnomAD compares: East Asian, 3.7%; 64 homozygotes.

Submission:

PreventionGenetics, part of Exact Sciences
Classification: Benign for CTBP2-related condition. Last evaluated: 2019-02-22. Review status: no assertion criteria provided. Collection method: clinical testing. Allele origin: germline.
Comment: This variant is classified as benign based on ACMG/AMP sequence variant interpretation guidelines (Richards et al. 2015 PMID: 25741868, with internal and published modifications).

NM_001329.4(CTBP2):c.58+12047C>T

Gene: CTBP2 (C-terminal binding protein 2; minus strand). Cytogenetic location: 10q26.13.
Variant type: single nucleotide variant.
Coding change: c.58+12047C>T on transcript NM_001329.4 (MANE Select); 12047 bases into the intron after coding-DNA position 58, C replaced by T.
Molecular consequence: intron variant. On other transcripts: synonymous variant (1).
Genome position (GRCh38, 1-based): chr10:125,026,950, G>A on the plus strand (C>T on the coding strand, the complement: CTBP2 is on the minus strand). VCF-style: chr10-125026950-G-A. GRCh37 (hg19) VCF-style: chr10-126715519-G-A.
Other names: c.810C>T, p.Tyr270= (NM_022802.3); c.58+12047C>T (NM_001083914.3, NM_001290214.3, NM_001321012.2 and 3 more transcripts).
Identifiers: ClinVar variation 3037436 (VCV003037436.2), dbSNP rs3781410, ClinGen allele CA5736429.